The following is an entry in ClinVar:

ClinVar aggregate classification (germline): Uncertain significance (1 of 4 stars; one submission).

Submission:

GeneDx
Classification: Uncertain significance. Last evaluated: 2023-11-06. Review status: criteria provided, single submitter. Criteria: GeneDx Variant Classification Process June 2021. Collection method: clinical testing. Allele origin: germline. Affected: yes.
Comment: Not observed at significant frequency in large population cohorts (gnomAD); In silico analysis supports that this missense variant has a deleterious effect on protein structure/function; Has not been previously published as pathogenic or benign to our knowledge

NM_001385012.1(NBEA):c.260G>T (p.Ser87Ile)

Gene: NBEA (neurobeachin; plus strand). Cytogenetic location: 13q13.3.
Variant type: single nucleotide variant.
Coding change: c.260G>T on transcript NM_001385012.1 (MANE Select); coding-DNA position 260, G replaced by T.
Protein change: p.Ser87Ile; replaces serine 87 with isoleucine.
Molecular consequence: missense variant.
Genome position (GRCh38, 1-based): chr13:34,943,080, G>T. VCF-style: chr13-34943080-G-T. GRCh37 (hg19) VCF-style: chr13-35517217-G-T.
Other names: c.260G>T, p.Ser87Ile (NM_001379245.1, NM_015678.5); short protein forms S87I.
Identifiers: ClinVar variation 3364083 (VCV003364083.1).